The following is an entry in ClinVar:

ClinVar aggregate classification (germline): Uncertain significance (1 of 4 stars; one submission).

Submission:

Labcorp Genetics (formerly Invitae), Labcorp
Classification: Uncertain significance. Last evaluated: 2024-01-06. Review status: criteria provided, single submitter. Criteria: Invitae Variant Classification Sherloc (09022015). Collection method: clinical testing. Allele origin: germline.
Comment: This sequence change replaces alanine, which is neutral and non-polar, with valine, which is neutral and non-polar, at codon 1040 of the TLR7 protein (p.Ala1040Val). This variant is not present in population databases (gnomAD no frequency). This variant has not been reported in the literature in individuals affected with TLR7-related conditions. Algorithms developed to predict the effect of missense changes on protein structure and function output the following: SIFT: "Not Available"; PolyPhen-2: "Benign"; Align-GVGD: "Not Available". The valine amino acid residue is found in multiple mammalian species, which suggests that this missense change does not adversely affect protein function. In summary, the available evidence is currently insufficient to determine the role of this variant in disease. Therefore, it has been classified as a Variant of Uncertain Significance.

NM_016562.4(TLR7):c.3119C>T (p.Ala1040Val)

Gene: TLR7 (toll like receptor 7; plus strand). Cytogenetic location: Xp22.2.
Variant type: single nucleotide variant.
Coding change: c.3119C>T on transcript NM_016562.4 (MANE Select); coding-DNA position 3119, C replaced by T.
Protein change: p.Ala1040Val; replaces alanine 1040 with valine.
Molecular consequence: missense variant.
Genome position (GRCh38, 1-based): chrX:12,888,627, C>T. VCF-style: chrX-12888627-C-T. GRCh37 (hg19) VCF-style: chrX-12906746-C-T.
Other names: short protein forms A1040V.
Identifiers: ClinVar variation 2708034 (VCV002708034.3), dbSNP rs2518439687, ClinGen allele CA412412332.